The following is an entry in ClinVar:

NM_002878.4(RAD51D):c.972G>A (p.Gln324=)

Genes: RAD51L3-RFFL (RAD51L3-RFFL readthrough; minus strand), RAD51D (RAD51 paralog D; minus strand). Cytogenetic location: 17q12.
Variant type: single nucleotide variant.
Coding change: c.972G>A on transcript NM_002878.4 (MANE Select); coding-DNA position 972, G replaced by A.
Protein change: p.Gln324=; no amino-acid change (glutamine 324 retained).
Molecular consequence: synonymous variant. On other transcripts: non-coding transcript variant (2).
Genome position (GRCh38, 1-based): chr17:35,100,968, C>T on the plus strand (G>A on the coding strand, the complement: RAD51D is on the minus strand). VCF-style: chr17-35100968-C-T. GRCh37 (hg19) VCF-style: chr17-33427987-C-T.
Other names: c.1032G>A, p.Gln344= (NM_001142571.2); c.636G>A, p.Gln212= (NM_133629.3).
Identifiers: ClinVar variation 1768006 (VCV001768006.3), dbSNP rs762625437, ClinGen allele CA499728580.
Genomic context (GRCh38, chr17:35,100,968, plus strand): 5'-GGAGGGGTCCCCAATGCTTCCCTGTTTCCCAAACAACAGCACAGGTCATGTCTGATCACC[C>T]TGTAATGTGGCACTCTGCTCTGAGGTCCCCCAGGTCCCAATGTCTACCATCTCCTGGAAA-3'
Protein context (NP_002869.3, residues 314-328): WGTSEQSATL[Gln324=]GDQT

ClinVar aggregate classification (germline): Benign/Likely benign. Review status: criteria provided, multiple submitters, no conflicts (2 of 4 stars). 2 submissions from 2 submitters: Benign (1); Likely benign (1). Last evaluated 2025-02-25.

Conditions:
Hereditary cancer-predisposing syndrome. Also called: Hereditary Cancer Syndrome; Hereditary neoplastic syndrome; Neoplastic Syndromes, Hereditary; Tumor predisposition. Identifiers: Orphanet 140162, MedGen C0027672, MeSH D009386, MONDO:0015356.
Breast-ovarian cancer, familial, susceptibility to, 4. Identifiers: Orphanet 145, MedGen C3280345, MONDO:0013669, OMIM 614291.

Submissions (2):

Myriad Genetics, Inc.
Classification: Benign for Breast-ovarian cancer, familial, susceptibility to, 4. Last evaluated: 2025-02-25. Review status: criteria provided, single submitter. Criteria: Myriad Autosomal Dominant, Autosomal Recessive and X-Linked Classification Criteria (2023). Collection method: clinical testing. Allele origin: unknown.
Comment: This variant is considered benign. This variant is a silent/synonymous amino acid change and it is not expected to impact splicing.

Ambry Genetics
Classification: Likely benign for Hereditary cancer-predisposing syndrome. Last evaluated: 2018-07-17. Review status: criteria provided, single submitter. Criteria: Ambry Variant Classification Scheme 2023. Collection method: clinical testing. Allele origin: germline.